The following is an entry in ClinVar:

ClinVar aggregate classification (germline): Uncertain significance (1 of 4 stars; one submission).

Conditions:
Kleefstra syndrome 2 (KLEFS2). Identifiers: MedGen C4540395, MONDO:0054701, OMIM 617768.

Allele frequency attached by ClinVar (database versions not stated): gnomAD 0.00001; TOPMed 0.00001.
gnomAD v4.1: 2 of 1,614,032 alleles (0.00012%); highest among the groups gnomAD compares: Non-Finnish European, 0.00017%; no homozygotes.

Submission:

Centre for Mendelian Genomics, University Medical Centre Ljubljana
Classification: Uncertain significance for Kleefstra syndrome 2. Last evaluated: 2019-05-02. Review status: criteria provided, single submitter. Criteria: ACMG Guidelines, 2015. Collection method: clinical testing. Allele origin: unknown. Affected: yes.
Comment: This variant was classified as: Uncertain significance. The available evidence on this variant's pathogenicity is insufficient or conflicting. The following ACMG criteria were applied in classifying this variant: PM2,PP3.

NM_170606.3(KMT2C):c.10874C>T (p.Pro3625Leu)

Gene: KMT2C (lysine methyltransferase 2C; minus strand). Cytogenetic location: 7q36.1.
Variant type: single nucleotide variant.
Coding change: c.10874C>T on transcript NM_170606.3 (MANE Select); coding-DNA position 10874, C replaced by T.
Protein change: p.Pro3625Leu; replaces proline 3625 with leucine.
Molecular consequence: missense variant.
Genome position (GRCh38, 1-based): chr7:152,162,703, G>A on the plus strand (C>T on the coding strand, the complement: KMT2C is on the minus strand). VCF-style: chr7-152162703-G-A. GRCh37 (hg19) VCF-style: chr7-151859788-G-A.
Other names: short protein forms P3625L.
Identifiers: ClinVar variation 930481 (VCV000930481.3), dbSNP rs964546045, ClinGen allele CA169231188.